The following is an entry in ClinVar:

ClinVar aggregate classification (germline): Uncertain significance (1 of 4 stars; one submission).

Submission:

Labcorp Genetics (formerly Invitae), Labcorp
Classification: Uncertain significance. Last evaluated: 2021-04-22. Review status: criteria provided, single submitter. Criteria: Invitae Variant Classification Sherloc (09022015). Collection method: clinical testing. Allele origin: germline.
Comment: This variant is not present in population databases (ExAC no frequency). This sequence change replaces tyrosine with histidine at codon 433 of the TYR protein (p.Tyr433His). The tyrosine residue is moderately conserved and there is a moderate physicochemical difference between tyrosine and histidine. This variant has not been reported in the literature in individuals with TYR-related conditions. In summary, the available evidence is currently insufficient to determine the role of this variant in disease. Therefore, it has been classified as a Variant of Uncertain Significance. Advanced modeling of protein sequence and biophysical properties (such as structural, functional, and spatial information, amino acid conservation, physicochemical variation, residue mobility, and thermodynamic stability) performed at Invitae indicates that this missense variant is expected to disrupt TYR protein function.

NM_000372.5(TYR):c.1297T>C (p.Tyr433His)

Gene: TYR (tyrosinase; plus strand). Cytogenetic location: 11q14.3.
Variant type: single nucleotide variant.
Coding change: c.1297T>C on transcript NM_000372.5 (MANE Select); coding-DNA position 1297, T replaced by C.
Protein change: p.Tyr433His; replaces tyrosine 433 with histidine.
Molecular consequence: missense variant.
Genome position (GRCh38, 1-based): chr11:89,284,885, T>C. VCF-style: chr11-89284885-T-C. GRCh37 (hg19) VCF-style: chr11-89018053-T-C.
Other names: short protein forms Y433H.
Identifiers: ClinVar variation 1423131 (VCV001423131.8), dbSNP rs2135324344, ClinGen allele CA382078047.